The following is an entry in ClinVar:

NM_001291415.2(KDM6A):c.3835T>C (p.Trp1279Arg)

Gene: KDM6A (lysine demethylase 6A; plus strand). Cytogenetic location: Xp11.3.
Variant type: single nucleotide variant.
Coding change: c.3835T>C on transcript NM_001291415.2 (MANE Select); coding-DNA position 3835, T replaced by C.
Protein change: p.Trp1279Arg; replaces tryptophan 1279 with arginine.
Molecular consequence: missense variant. On other transcripts: non-coding transcript variant (1).
Genome position (GRCh38, 1-based): chrX:45,089,873, T>C. VCF-style: chrX-45089873-T-C. GRCh37 (hg19) VCF-style: chrX-44949118-T-C.
Other names: c.3700T>C, p.Trp1234Arg (NM_001291416.2); c.3544T>C, p.Trp1182Arg (NM_001291417.2); c.3442T>C, p.Trp1148Arg (NM_001291418.2); c.2791T>C, p.Trp931Arg (NM_001291421.2); c.3679T>C, p.Trp1227Arg (NM_021140.4); short protein forms W1227R, W1279R, W1234R, W1182R, W931R, W1148R.
Identifiers: ClinVar variation 421283 (VCV000421283.2), dbSNP rs1064795033, ClinGen allele CA16621408.
Genomic context (GRCh38, chrX:45,089,873, plus strand): 5'-GTGTATAGGTTTATTCAGCGACCTGGAGATTTGGTCTGGATAAATGCAGGCACTGTTCAT[T>C]GGGTTCAGGCTATTGGCTGGTGCAACAACATTGCTTGGAATGTTGGTCCACTTACAGGTA-3'
Protein context (NP_001278344.1, residues 1269-1289): LVWINAGTVH[Trp1279Arg]VQAIGWCNNI

ClinVar aggregate classification (germline): Likely pathogenic (1 of 4 stars; one submission).

Submission:

GeneDx
Classification: Likely pathogenic. Last evaluated: 2016-05-19. Review status: criteria provided, single submitter. Criteria: GeneDx Variant Classification (06012015). Collection method: clinical testing. Allele origin: germline. Affected: yes.
Comment: The W1227R variant in the KDM6A gene has not been reported previously as a pathogenic variant, nor as a benign variant, to our knowledge. The W1227R variant was not observed in approximately 6,500 individuals of European and African American ancestry in the NHLBI Exome Sequencing Project, indicating it is not a common benign variant in these populations. The W1227R variant is a non-conservative amino acid substitution, which is likely to impact secondary protein structure as these residues differ in polarity, charge, size and/or other properties. This substitution occurs at a position that is conserved across species, and in silico analysis predicts this variant is probably damaging to the protein structure/function. The W1227R variant is a strong candidate for a pathogenic variant.